The following is an entry in ClinVar:

ClinVar aggregate classification (germline): Uncertain significance. Review status: criteria provided, multiple submitters, no conflicts (2 of 4 stars). 2 submissions from 2 submitters: Uncertain significance (2). Last evaluated 2025-07-09.

Conditions:
Inborn genetic diseases. Identifiers: MedGen C0950123, MeSH D030342.

gnomAD v4.1: 1 of 1,613,932 alleles (0.000062%); highest among the groups gnomAD compares: Non-Finnish European, 0.000085%; no homozygotes.

Submissions (2):

Labcorp Genetics (formerly Invitae), Labcorp
Classification: Uncertain significance. Last evaluated: 2025-07-09. Review status: criteria provided, single submitter. Criteria: Invitae Variant Classification Sherloc (09022015). Collection method: clinical testing. Allele origin: germline.
Comment: This sequence change replaces phenylalanine, which is neutral and non-polar, with valine, which is neutral and non-polar, at codon 393 of the MBD4 protein (p.Phe393Val). This variant is not present in population databases (gnomAD no frequency). This variant has not been reported in the literature in individuals affected with MBD4-related conditions. ClinVar contains an entry for this variant (Variation ID: 3870863). An algorithm developed to predict the effect of missense changes on protein structure and function (PolyPhen-2) suggests that this variant is likely to be tolerated. In summary, the available evidence is currently insufficient to determine the role of this variant in disease. Therefore, it has been classified as a Variant of Uncertain Significance.

Ambry Genetics
Classification: Uncertain significance for Inborn genetic diseases. Last evaluated: 2024-12-19. Review status: criteria provided, single submitter. Criteria: Ambry Variant Classification Scheme 2023. Collection method: clinical testing. Allele origin: germline.
Comment: The p.F393V variant (also known as c.1177T>G), located in coding exon 3 of the MBD4 gene, results from a T to G substitution at nucleotide position 1177. The phenylalanine at codon 393 is replaced by valine, an amino acid with highly similar properties. This amino acid position is conserved. In addition, this alteration is predicted to be tolerated by in silico analysis. Based on the available evidence, the clinical significance of this variant remains unclear.

NM_001276270.2(MBD4):c.1177T>G (p.Phe393Val)

Gene: MBD4 (methyl-CpG binding domain 4, DNA glycosylase; minus strand). Cytogenetic location: 3q21.3.
Variant type: single nucleotide variant.
Coding change: c.1177T>G on transcript NM_001276270.2 (MANE Select); coding-DNA position 1177, T replaced by G.
Protein change: p.Phe393Val; replaces phenylalanine 393 with valine.
Molecular consequence: missense variant. On other transcripts: intron variant (1).
Genome position (GRCh38, 1-based): chr3:129,436,467, A>C on the plus strand (T>G on the coding strand, the complement: MBD4 is on the minus strand). VCF-style: chr3-129436467-A-C. GRCh37 (hg19) VCF-style: chr3-129155310-A-C.
Other names: c.1177T>G, p.Phe393Val (NM_001276271.2, NM_001276272.2, NM_003925.3); c.247+1341T>G (NM_001276273.2); short protein forms F393V.
Identifiers: ClinVar variation 3870863 (VCV003870863.2).